The following is an entry in ClinVar:

ClinVar aggregate classification (germline): Pathogenic/Likely pathogenic. Review status: criteria provided, multiple submitters, no conflicts (2 of 4 stars). 2 submissions from 2 submitters: Pathogenic (1); Likely pathogenic (1). Last evaluated 2021-06-06.

Conditions:
Telangiectasia, hereditary hemorrhagic, type 2 (HHT2). Also called: Telangiectasia, hereditary hemorrhagic, type II; ACVRL1-Related Hereditary Hemorrhagic Telangiectasia. Identifiers: Orphanet 774, MedGen C1838163, MONDO:0010880, OMIM 600376. Disease mechanism: loss of function.

Submissions (2):

Labcorp Genetics (formerly Invitae), Labcorp
Classification: Pathogenic for Telangiectasia, hereditary hemorrhagic, type 2. Last evaluated: 2021-06-06. Review status: criteria provided, single submitter. Criteria: Invitae Variant Classification Sherloc (09022015). Collection method: clinical testing. Allele origin: germline.
Comment: This sequence change replaces threonine with arginine at codon 277 of the ACVRL1 protein (p.Thr277Arg). The threonine residue is highly conserved and there is a moderate physicochemical difference between threonine and arginine. This variant is not present in population databases (ExAC no frequency). This variant has been observed in individual(s) with hereditary hemorrhagic telangiectasia (PMID: 32573726, Invitae). ClinVar contains an entry for this variant (Variation ID: 982488). Advanced modeling of protein sequence and biophysical properties (such as structural, functional, and spatial information, amino acid conservation, physicochemical variation, residue mobility, and thermodynamic stability) performed at Invitae indicates that this missense variant is expected to disrupt ACVRL1 protein function. Algorithms developed to predict the effect of sequence changes on RNA splicing suggest that this variant may create or strengthen a splice site, but this prediction has not been confirmed by published transcriptional studies. This variant disrupts the p.Thr277 amino acid residue in ACVRL1. Other variant(s) that disrupt this residue have been determined to be pathogenic ( PMID: 25970827, 20414677, Invitae). This suggests that this residue is clinically significant, and that variants that disrupt this residue are likely to be disease-causing. For these reasons, this allele has been classified as Pathogenic.

NIHR Bioresource Rare Diseases, University of Cambridge
Classification: Likely pathogenic for Telangiectasia, hereditary hemorrhagic, type 2. Last evaluated: 2018-01-01. Review status: criteria provided, single submitter. Criteria: ACMG Guidelines, 2015. Collection method: research. Allele origin: unknown. Affected: yes. Observed: 1 variant allele.
Comment: PM2+PM1+PP4

Literature cited by the submitters: PubMed 32573726 (cited by Labcorp Genetics (formerly Invitae), Labcorp and NIHR Bioresource Rare Diseases, University of Cambridge).

NM_000020.3(ACVRL1):c.830C>G (p.Thr277Arg)

Gene: ACVRL1 (activin A receptor like type 1; plus strand). Cytogenetic location: 12q13.13.
Variant type: single nucleotide variant.
Coding change: c.830C>G on transcript NM_000020.3 (MANE Select); coding-DNA position 830, C replaced by G.
Protein change: p.Thr277Arg; replaces threonine 277 with arginine.
Molecular consequence: missense variant.
Genome position (GRCh38, 1-based): chr12:51,915,282, C>G. VCF-style: chr12-51915282-C-G. GRCh37 (hg19) VCF-style: chr12-52309066-C-G.
Other names: c.830C>G, p.Thr277Arg (NM_001077401.2); short protein forms T277R.
Identifiers: ClinVar variation 982488 (VCV000982488.10), dbSNP rs750085854, ClinGen allele CA384900474.